The following is an entry in ClinVar:

NM_003079.5(SMARCE1):c.1154G>C (p.Ser385Thr)

Gene: SMARCE1 (SWI/SNF related BAF chromatin remodeling complex subunit E1; minus strand). Cytogenetic location: 17q21.2.
Variant type: single nucleotide variant.
Coding change: c.1154G>C on transcript NM_003079.5 (MANE Select); coding-DNA position 1154, G replaced by C.
Protein change: p.Ser385Thr; replaces serine 385 with threonine.
Molecular consequence: missense variant.
Genome position (GRCh38, 1-based): chr17:40,628,867, C>G on the plus strand (G>C on the coding strand, the complement: SMARCE1 is on the minus strand). VCF-style: chr17-40628867-C-G. GRCh37 (hg19) VCF-style: chr17-38785119-C-G.
Other names: short protein forms S385T.
Identifiers: ClinVar variation 3446140 (VCV003446140.1).

ClinVar aggregate classification (germline): Uncertain significance (1 of 4 stars; one submission).

Conditions:
Hereditary cancer-predisposing syndrome. Also called: Tumor predisposition; Neoplastic Syndromes, Hereditary; Hereditary neoplastic syndrome; Hereditary Cancer Syndrome. Identifiers: Orphanet 140162, MedGen C0027672, MeSH D009386, MONDO:0015356.

Submission:

Ambry Genetics
Classification: Uncertain significance for Hereditary cancer-predisposing syndrome. Last evaluated: 2024-08-02. Review status: criteria provided, single submitter. Criteria: Ambry Variant Classification Scheme 2023. Collection method: clinical testing. Allele origin: germline.
Comment: The p.S385T variant (also known as c.1154G>C), located in coding exon 10 of the SMARCE1 gene, results from a G to C substitution at nucleotide position 1154. The serine at codon 385 is replaced by threonine, an amino acid with similar properties. This amino acid position is conserved. In addition, this alteration is predicted to be tolerated by in silico analysis. Based on the available evidence, the clinical significance of this variant remains unclear.